The following is an entry in ClinVar:

ClinVar aggregate classification (germline): Benign/Likely benign. Review status: criteria provided, multiple submitters, no conflicts (2 of 4 stars). 12 submissions from 12 submitters: Benign (7); Likely benign (3). 2 of the submissions do not count toward it. Last evaluated 2026-01-19.

Conditions:
Amyotrophic neuralgia (HNA). Also called: AMYOTROPHY, HEREDITARY NEURALGIC, WITH PREDILECTION FOR BRACHIAL PLEXUS; Hereditary Brachial Plexus Neuropathy; Neuritis with Brachial Predilection; AMYOTROPHY, HEREDITARY NEURALGIC. Identifiers: Orphanet 2901, MedGen C1834304, MONDO:0008076, OMIM 162100.
SEPTIN9-related disorder. Also called: SEPTIN9-related condition.

Allele frequency attached by ClinVar (database versions not stated): 1000 Genomes Project 30x 0.00047; 1000 Genomes Project 0.00060; ExAC 0.00199; gnomAD exomes 0.00202 and 0.00289; gnomAD 0.00216 and 0.00217; TOPMed 0.00226; ESP Exome Variant Server 0.00296.
gnomAD v4.1: 4,539 of 1,613,790 alleles (0.28%); highest among the groups gnomAD compares: Non-Finnish European, 0.34%; 4 homozygotes.

Submissions (17):

Labcorp Genetics (formerly Invitae), Labcorp
Classification: Benign. Last evaluated: 2026-01-19. Review status: criteria provided, single submitter. Criteria: Invitae Variant Classification Sherloc (09022015). Collection method: clinical testing. Allele origin: germline.

PreventionGenetics, part of Exact Sciences
Classification: Likely benign for SEPTIN9-related condition. Last evaluated: 2025-05-28. Review status: criteria provided, single submitter. Criteria: ACMG Guidelines, 2015. Collection method: clinical testing. Allele origin: germline.
Comment: This variant is classified as likely benign based on ACMG/AMP sequence variant interpretation guidelines (Richards et al. 2015 PMID: 25741868, with internal and published modifications).

Blueprint Genetics
Classification: Likely benign. Last evaluated: 2024-11-27. Review status: criteria provided, single submitter. Criteria: ACMG Guidelines, 2015. Collection method: clinical testing. Allele origin: germline.

CeGaT Center for Human Genetics Tuebingen
Classification: Likely benign. Last evaluated: 2024-11-01. Review status: criteria provided, single submitter. Criteria: CeGaT Center For Human Genetics Tuebingen Variant Classification Criteria Version 2. Collection method: clinical testing. Allele origin: germline. Affected: yes. Observed: 5 variant alleles.
Comment: SEPTIN9: BP4, BP7

Mayo Clinic Laboratories, Mayo Clinic
Classification: Benign. Last evaluated: 2024-09-16. Review status: criteria provided, single submitter. Criteria: ACMG Guidelines, 2015. Collection method: clinical testing. Allele origin: germline. Observed: 5 variant alleles.
Comment: BS1, BS2, BP4, BP7

Genome-Nilou Lab
Classification: Benign for Amyotrophic neuralgia. Last evaluated: 2021-12-05. Review status: criteria provided, single submitter. Criteria: ACMG Guidelines, 2015. Collection method: clinical testing. Allele origin: germline. Affected: no.

GeneDx
Classification: Benign. Last evaluated: 2021-01-05. Review status: criteria provided, single submitter. Criteria: GeneDx Variant Classification Process June 2021. Collection method: clinical testing. Allele origin: germline. Affected: yes.

Illumina Laboratory Services, Illumina
Classification: Benign for Amyotrophy, hereditary neuralgic. Last evaluated: 2018-01-13. Review status: criteria provided, single submitter. Criteria: ICSL Variant Classification Criteria 13 December 2019. Collection method: clinical testing. Allele origin: germline.
Comment: This variant was observed in the ICSL laboratory as part of a predisposition screen in an ostensibly healthy population. It had not been previously curated by ICSL or reported in the Human Gene Mutation Database (HGMD: prior to June 1st, 2018), and was therefore a candidate for classification through an automated scoring system. Utilizing variant allele frequency, disease prevalence and penetrance estimates, and inheritance mode, an automated score was calculated to assess if this variant is too frequent to cause the disease. Based on the score and internal cut-off values, a variant classified as benign is not then subjected to further curation. The score for this variant resulted in a classification of benign for this disease.

Athena Diagnostics
Classification: Benign. Last evaluated: 2016-12-20. Review status: criteria provided, single submitter. Criteria: Athena Diagnostics Criteria. Collection method: clinical testing. Allele origin: germline.

Breakthrough Genomics
Classification: Benign. Review status: criteria provided, single submitter. Criteria: ACMG Guidelines, 2015. Collection method: not provided. Allele origin: germline. Inheritance: Autosomal dominant inheritance. Affected: yes.

Clinical Genetics, Academic Medical Center
Classification: Benign. Review status: no assertion criteria provided. Collection method: clinical testing. Allele origin: germline. Affected: yes. Study: VKGL Data-share Consensus. Not counted in ClinVar's aggregate classification.

Dr. Peter K. Rogan Lab, Western University
No classification provided (evidence only). Condition: Lung cancer. Review status: no classification provided. Collection method: in vitro. Allele origin: not applicable. Functional consequence: skipped exon. Not counted in ClinVar's aggregate classification.

Dr. Peter K. Rogan Lab, Western University
No classification provided (evidence only). Condition: Melanoma. Review status: no classification provided. Collection method: in vitro. Allele origin: not applicable. Functional consequence: retained intron. Not counted in ClinVar's aggregate classification.

Dr. Peter K. Rogan Lab, Western University
No classification provided (evidence only). Condition: Cervical cancer. Review status: no classification provided. Collection method: in vitro. Allele origin: not applicable. Functional consequence: retained intron. Not counted in ClinVar's aggregate classification.

Dr. Peter K. Rogan Lab, Western University
No classification provided (evidence only). Condition: Nonpapillary renal cell carcinoma. Review status: no classification provided. Collection method: in vitro. Allele origin: not applicable. Functional consequence: retained intron. Not counted in ClinVar's aggregate classification.

Dr. Peter K. Rogan Lab, Western University
No classification provided (evidence only). Condition: Ovarian serous cystadenocarcinoma. Review status: no classification provided. Collection method: in vitro. Allele origin: not applicable. Functional consequence: retained intron. Not counted in ClinVar's aggregate classification.

Genome Diagnostics Laboratory, University Medical Center Utrecht
Classification: Likely benign. Review status: no assertion criteria provided. Collection method: clinical testing. Allele origin: germline. Affected: yes. Study: VKGL Data-share Consensus. Not counted in ClinVar's aggregate classification.

NM_001113491.2(SEPTIN9):c.201C>T (p.Gly67=)

Gene: SEPTIN9 (septin 9; plus strand). Cytogenetic location: 17q25.3.
Variant type: single nucleotide variant.
Coding change: c.201C>T on transcript NM_001113491.2 (MANE Select); coding-DNA position 201, C replaced by T.
Protein change: p.Gly67=; no amino-acid change (glycine 67 retained).
Molecular consequence: synonymous variant. On other transcripts: 5 prime UTR variant (2).
Genome position (GRCh38, 1-based): chr17:77,402,183, C>T. VCF-style: chr17-77402183-C-T. GRCh37 (hg19) VCF-style: chr17-75398265-C-T.
Other names: p.Gly49=; c.-292C>T (NM_001113492.2, NM_001113494.1); c.180C>T, p.Gly60= (NM_001113493.2); c.144C>T, p.Gly48= (NM_001293695.2); c.147C>T, p.Gly49= (NM_006640.5).
Identifiers: ClinVar variation 325539 (VCV000325539.48), dbSNP rs61744333, ClinGen allele CA8793136.